The following is an entry in ClinVar:

ClinVar aggregate classification (germline): Uncertain significance (1 of 4 stars; one submission).

Submission:

GeneDx
Classification: Uncertain significance. Last evaluated: 2021-01-15. Review status: criteria provided, single submitter. Criteria: GeneDx Variant Classification Process June 2021. Collection method: clinical testing. Allele origin: germline. Affected: yes.
Comment: Has not been previously published as pathogenic or benign to our knowledge; Not observed in large population cohorts (Lek et al., 2016); At the protein level, in silico analysis supports that this missense variant does not alter protein structure/function; At the mRNA level, in silico analysis suggests this variant may create a new cryptic splice donor site in exon 15, which may impact gene splicing; in the absence of RNA/functional studies, the actual effect of this sequence change is unknown

NM_000501.4(ELN):c.761C>T (p.Ala254Val)

Gene: ELN (elastin; plus strand). Cytogenetic location: 7q11.23.
Variant type: single nucleotide variant.
Coding change: c.761C>T on transcript NM_000501.4 (MANE Select); coding-DNA position 761, C replaced by T.
Protein change: p.Ala254Val; replaces alanine 254 with valine.
Molecular consequence: missense variant.
Genome position (GRCh38, 1-based): chr7:74,048,518, C>T. VCF-style: chr7-74048518-C-T. GRCh37 (hg19) VCF-style: chr7-73462848-C-T.
Other names: c.731C>T, p.Ala244Val (NM_001081752.3, NM_001278917.2); c.776C>T, p.Ala259Val (NM_001081753.3, NM_001081754.3); c.761C>T, p.Ala254Val (NM_001081755.3, NM_001278912.2, NM_001278915.2 and 1 more transcripts); c.653C>T, p.Ala218Val (NM_001278913.2); c.746C>T, p.Ala249Val (NM_001278914.2); c.719C>T, p.Ala240Val (NM_001278916.2); c.629C>T, p.Ala210Val (NM_001278918.2); short protein forms A210V, A218V, A240V, A244V, A249V, A254V, A259V.
Identifiers: ClinVar variation 1314065 (VCV001314065.2), dbSNP rs2131672723, ClinGen allele CA367870616.
Genomic context (GRCh38, chr7:74,048,518, plus strand): 5'-AGGAGCACTGTTTCAAGGTCTCTCCCCTCTGCTTCCTTCCCCCAGGGGTTGGCCCCCAGG[C>T]AGCAGCAGCAGCGGCAGCTAAAGCAGCAGCAAAGTTCGGTGAGTGCCCCTGGAGTCCCCA-3'
Protein context (NP_000492.2, residues 244-264): YPTGTGVGPQ[Ala254Val]AAAAAAKAAA